The following is an entry in ClinVar:

ClinVar aggregate classification (germline): Pathogenic (1 of 4 stars; one submission).

Submission:

Labcorp Genetics (formerly Invitae), Labcorp
Classification: Pathogenic. Last evaluated: 2023-04-26. Review status: criteria provided, single submitter. Criteria: Invitae Variant Classification Sherloc (09022015). Collection method: clinical testing. Allele origin: germline.
Comment: For these reasons, this variant has been classified as Pathogenic. This variant has not been reported in the literature in individuals affected with ADGRV1-related conditions. This variant is not present in population databases (gnomAD no frequency). This sequence change creates a premature translational stop signal (p.Glu5323Glyfs*46) in the ADGRV1 gene. It is expected to result in an absent or disrupted protein product. Loss-of-function variants in ADGRV1 are known to be pathogenic (PMID: 19357117, 22135276, 22147658, 26226137, 30718709, 31047384, 32467589).

Literature cited by the submitters: PubMed 19357117; PubMed 22135276; PubMed 22147658; PubMed 26226137; PubMed 30718709; PubMed 31047384; PubMed 32467589.

NM_032119.4(ADGRV1):c.15968del (p.Glu5323fs)

Gene: ADGRV1 (adhesion G protein-coupled receptor V1; plus strand). Cytogenetic location: 5q14.3.
Variant type: Deletion.
Coding change: c.15968del on transcript NM_032119.4 (MANE Select); coding-DNA position 15968, one base deleted (A; older notation c.15968delA).
Protein change: p.Glu5323fs; shifts the reading frame from glutamic acid 5323.
Molecular consequence: frameshift variant. On other transcripts: non-coding transcript variant (1).
Genome position (GRCh38, 1-based): chr5:90,811,228, A deleted. VCF-style (leftmost placement, unchanged base first): chr5-90811227-GA-G. GRCh37 (hg19) VCF-style: chr5-90107044-GA-G.
Other names: short protein forms E5323fs.
Identifiers: ClinVar variation 2859323 (VCV002859323.3), dbSNP rs2532193520, ClinGen allele CA2739274907.